The following is an entry in ClinVar:

ClinVar aggregate classification (germline): Uncertain significance. Review status: criteria provided, multiple submitters, no conflicts (2 of 4 stars). 2 submissions from 2 submitters: Uncertain significance (2). Last evaluated 2025-05-22.

Conditions:
Fanconi anemia (FA). Also called: Fanconi's anemia. Identifiers: Orphanet 84, MedGen C0015625, MeSH D005199, MONDO:0019391.

gnomAD v4.1: 1 of 1,613,494 alleles (0.000062%); highest among the groups gnomAD compares: Middle Eastern, 0.017%; no homozygotes.

Submissions (2):

GeneDx
Classification: Uncertain significance. Last evaluated: 2025-05-22. Review status: criteria provided, single submitter. Criteria: GeneDx Variant Classification Process June 2021. Collection method: clinical testing. Allele origin: germline. Affected: yes.
Comment: Not observed at significant frequency in large population cohorts (gnomAD); In silico analysis suggests that this missense variant does not alter protein structure/function; Has not been previously published as pathogenic or benign to our knowledge

Labcorp Genetics (formerly Invitae), Labcorp
Classification: Uncertain significance for Fanconi anemia. Last evaluated: 2024-06-04. Review status: criteria provided, single submitter. Criteria: Invitae Variant Classification Sherloc (09022015). Collection method: clinical testing. Allele origin: germline.
Comment: This sequence change replaces isoleucine, which is neutral and non-polar, with methionine, which is neutral and non-polar, at codon 180 of the FANCM protein (p.Ile180Met). This variant is not present in population databases (gnomAD no frequency). This variant has not been reported in the literature in individuals affected with FANCM-related conditions. An algorithm developed to predict the effect of missense changes on protein structure and function (PolyPhen-2) suggests that this variant is likely to be tolerated. In summary, the available evidence is currently insufficient to determine the role of this variant in disease. Therefore, it has been classified as a Variant of Uncertain Significance.

NM_020937.4(FANCM):c.540A>G (p.Ile180Met)

Gene: FANCM (FA complementation group M; plus strand). Cytogenetic location: 14q21.2.
Variant type: single nucleotide variant.
Coding change: c.540A>G on transcript NM_020937.4 (MANE Select); coding-DNA position 540, A replaced by G.
Protein change: p.Ile180Met; replaces isoleucine 180 with methionine.
Molecular consequence: missense variant.
Genome position (GRCh38, 1-based): chr14:45,137,100, A>G. VCF-style: chr14-45137100-A-G. GRCh37 (hg19) VCF-style: chr14-45606303-A-G.
Other names: c.540A>G, p.Ile180Met (NM_001308133.2, NM_001308134.2); short protein forms I180M.
Identifiers: ClinVar variation 3712530 (VCV003712530.3).